The following is an entry in ClinVar:

NM_000540.3(RYR1):c.6385G>A (p.Asp2129Asn)

Gene: RYR1 (ryanodine receptor 1; plus strand). Cytogenetic location: 19q13.2.
Variant type: single nucleotide variant.
Coding change: c.6385G>A on transcript NM_000540.3 (MANE Select); coding-DNA position 6385, G replaced by A.
Protein change: p.Asp2129Asn; replaces aspartic acid 2129 with asparagine.
Molecular consequence: missense variant.
Genome position (GRCh38, 1-based): chr19:38,494,462, G>A. VCF-style: chr19-38494462-G-A. GRCh37 (hg19) VCF-style: chr19-38985102-G-A.
Other names: c.6385G>A, p.Asp2129Asn (NM_001042723.2); short protein forms D2129N.
Identifiers: ClinVar variation 570420 (VCV000570420.20), dbSNP rs772695891, ClinGen allele CA068182.

ClinVar aggregate classification (germline): Uncertain significance. Review status: criteria provided, multiple submitters, no conflicts (2 of 4 stars). 8 submissions from 8 submitters: Uncertain significance (8). Last evaluated 2026-04-22.

Conditions:
Acute rhabdomyolysis. Identifiers: MedGen C3807306, HP:0008942.
RYR1-related disorder. Also called: RYR1-related disorders; RYR1-related condition. Identifiers: MedGen CN239331.
Central core myopathy (CMYO1A). Also called: CONGENITAL MYOPATHY 1A, AUTOSOMAL DOMINANT, WITH SUSCEPTIBILITY TO MALIGNANT HYPERTHERMIA; Central core disease; Myopathy, central fibrillar. Identifiers: Orphanet 597, MedGen C5830701, MONDO:0007294, OMIM 117000.
King Denborough syndrome (KDS). Identifiers: MedGen C1840365, MONDO:0020485, OMIM 619542.
Malignant hyperthermia, susceptibility to, 1 (MHS1). Also called: RYR1-Related Malignant Hyperthermia Susceptibility; Anesthesia related hyperthermia; Malignant hyperpyrexia; Fulminating hyperpyrexia; Pharmacogenic myopathy; Malignant hyperthermia suceptibility 1. Identifiers: Orphanet 423, MedGen C2930980, MONDO:0007783, OMIM 145600.
Congenital myopathy with fiber type disproportion. Also called: Congenital fiber-type disproportion myopathy; Congenital fiber-type disproportion. Identifiers: Orphanet 2020, MedGen C0546264, MONDO:0009711. Inheritance: all.
Congenital multicore myopathy with external ophthalmoplegia (CMYO1B). Also called: MULTIMINICORE DISEASE WITH EXTERNAL OPHTHALMOPLEGIA; Minicore myopathy with external ophthalmoplegia; MULTICORE MYOPATHY; Congenital myopathy 1B, autosomal recessive; Minicore myopathy. Identifiers: Orphanet 598, Orphanet 98905, MedGen C1850674, MONDO:0009712, OMIM 255320, HP:0003789.

Allele frequency attached by ClinVar (database versions not stated): gnomAD 0.00004; TOPMed 0.00005; gnomAD exomes 0.00006; ExAC 0.00006.
gnomAD v4.1: 90 of 1,612,666 alleles (0.0056%); highest among the groups gnomAD compares: Non-Finnish European, 0.006%; no homozygotes.

Submissions (8):

NHS Central & South Genomic Laboratory Hub
Classification: Uncertain significance for Acute Rhabdomyolysis. Last evaluated: 2026-04-22. Review status: criteria provided, single submitter. Criteria: ACMG Guidelines, 2015. Collection method: clinical testing. Allele origin: germline. Affected: yes.

GeneDx
Classification: Uncertain significance. Last evaluated: 2026-01-16. Review status: criteria provided, single submitter. Criteria: GeneDx Variant Classification Process June 2021. Collection method: clinical testing. Allele origin: germline. Affected: yes.
Comment: In silico analysis supports that this missense variant has a deleterious effect on protein structure/function; This variant is associated with the following publications: (PMID: 28326467, 25960145, 27663056, 30788618, 12668474, 33767344, 23628358)

Color Diagnostics, LLC DBA Color Health
Classification: Uncertain significance for Malignant hyperthermia, susceptibility to, 1. Last evaluated: 2025-06-04. Review status: criteria provided, single submitter. Criteria: ACMG Guidelines, 2015. Collection method: clinical testing. Allele origin: germline.
Comment: This missense variant replaces aspartic acid with asparagine at codon 2129 of the RYR1 protein. Computational prediction suggests that this variant may have deleterious impact on protein structure and function. To our knowledge, functional studies have not been reported for this variant. This variant has not been reported in individuals affected with malignant hyperthermia susceptibility in the literature, although is has been observed in an individual affected with exercise induced rhabdomyolysis (PMID: 25960145). This variant has been identified in 10/281482 chromosomes in the general population by the Genome Aggregation Database (gnomAD). A different variant affecting the same codon, c.6387C>G (p.Asp2129Glu), is considered to be pathogenic (ClinVar Variation ID: 133157), suggesting that Asp at this position is important for the protein function. The available evidence is insufficient to determine the role of this variant in disease conclusively. Therefore, this variant is classified as a Variant of Uncertain Significance.

Labcorp Genetics (formerly Invitae), Labcorp
Classification: Uncertain significance for RYR1-related disorder. Last evaluated: 2024-10-18. Review status: criteria provided, single submitter. Criteria: Invitae Variant Classification Sherloc (09022015). Collection method: clinical testing. Allele origin: germline.
Comment: This sequence change replaces aspartic acid, which is acidic and polar, with asparagine, which is neutral and polar, at codon 2129 of the RYR1 protein (p.Asp2129Asn). This variant is present in population databases (rs772695891, gnomAD 0.05%). This missense change has been observed in individual(s) with RYR1-related conditions (PMID: 25960145). ClinVar contains an entry for this variant (Variation ID: 570420). Invitae Evidence Modeling of protein sequence and biophysical properties (such as structural, functional, and spatial information, amino acid conservation, physicochemical variation, residue mobility, and thermodynamic stability) indicates that this missense variant is not expected to disrupt RYR1 protein function with a negative predictive value of 80%. In summary, the available evidence is currently insufficient to determine the role of this variant in disease. Therefore, it has been classified as a Variant of Uncertain Significance.

All of Us Research Program, National Institutes of Health
Classification: Uncertain significance for Malignant hyperthermia, susceptibility to, 1. Last evaluated: 2024-08-29. Review status: criteria provided, single submitter. Criteria: ACMG Guidelines, 2015. Collection method: clinical testing. Allele origin: germline. Inheritance: Autosomal dominant inheritance. Observed: 10 variant alleles, 10 heterozygotes.
Comment: This missense variant replaces aspartic acid with asparagine at codon 2129 of the RYR1 protein. Computational prediction suggests that this variant may have deleterious impact on protein structure and function (internally defined REVEL score threshold >= 0.7, PMID: 27666373). To our knowledge, functional studies have not been reported for this variant. This variant has not been reported in individuals affected with malignant hyperthermia susceptibility in the literature, although is has been observed in an individual affected with exercise induced rhabdomyolysis (PMID: 25960145). This variant has been identified in 10/281482 chromosomes in the general population by the Genome Aggregation Database (gnomAD). A different variant affecting the same codon, c.6387C>G (p.Asp2129Glu), is considered to be pathogenic (ClinVar Variation ID: 133157), suggesting that Asp at this position is important for the protein function. The available evidence is insufficient to determine the role of this variant in disease conclusively. Therefore, this variant is classified as a Variant of Uncertain Significance.

This study involves interpretation of variants in research participants for the purpose of population health screening. Participant phenotype was not available at the time of variant classification. Additional details can be found in publication PMID: 35346344, PMCID: PMC8962531

Women's Health and Genetics/Laboratory Corporation of America, LabCorp
Classification: Uncertain significance. Last evaluated: 2024-08-02. Review status: criteria provided, single submitter. Criteria: LabCorp Variant Classification Summary - May 2015. Collection method: clinical testing. Allele origin: germline.
Comment: Variant summary: RYR1 c.6385G>A (p.Asp2129Asn) results in a conservative amino acid change in the encoded protein sequence. Three of five in-silico tools predict a damaging effect of the variant on protein function. The variant allele was found at a frequency of 3.6e-05 in 250094 control chromosomes (gnomAD). The available data on variant occurrences in the general population are insufficient to allow any conclusion about variant significance. c.6385G>A has been reported in the literature in individuals affected with Exertional myalgia and/or rhabdomyolysis without strong evidence of causality (Dlamini_2013, Snoeck_2015). These reports do not provide unequivocal conclusions about association of the variant with Myopathy, RYR1-Associated. To our knowledge, no experimental evidence demonstrating an impact on protein function has been reported. The following publications have been ascertained in the context of this evaluation (PMID: 23628358, 25960145). ClinVar contains an entry for this variant (Variation ID: 570420). Based on the evidence outlined above, the variant was classified as uncertain significance.

Fulgent Genetics
Classification: Uncertain significance for Central core myopathy; Malignant hyperthermia, susceptibility to, 1; Congenital myopathy 4A, autosomal dominant; Congenital multicore myopathy with external ophthalmoplegia; King Denborough syndrome. Last evaluated: 2021-09-18. Review status: criteria provided, single submitter. Criteria: ACMG Guidelines, 2015. Collection method: clinical testing. Allele origin: unknown.

Revvity Omics, Revvity
Classification: Uncertain significance. Last evaluated: 2019-03-13. Review status: criteria provided, single submitter. Criteria: ACMG Guidelines, 2015. Collection method: clinical testing. Allele origin: germline.

Literature cited by the submitters: PubMed 25960145 (cited by 4 submitters); PubMed 23628358 (cited by Women's Health and Genetics/Laboratory Corporation of America, LabCorp).